The following is an entry in ClinVar:

ClinVar aggregate classification (germline): Uncertain significance (1 of 4 stars; one submission).

Allele frequency attached by ClinVar (database versions not stated): gnomAD exomes below 0.00001; ExAC 0.00001; gnomAD 0.00001.
gnomAD v4.1: 2 of 1,613,934 alleles (0.00012%); highest among the groups gnomAD compares: South Asian, 0.0022%; no homozygotes.

Submission:

GeneDx
Classification: Uncertain significance. Last evaluated: 2023-08-07. Review status: criteria provided, single submitter. Criteria: GeneDx Variant Classification Process June 2021. Collection method: clinical testing. Allele origin: germline. Affected: yes.
Comment: Not observed at significant frequency in large population cohorts (gnomAD); In silico analysis supports that this missense variant does not alter protein structure/function; Has not been previously published as pathogenic or benign to our knowledge

NM_017757.3(ZNF407):c.3724G>A (p.Gly1242Ser)

Gene: ZNF407 (zinc finger protein 407; plus strand). Cytogenetic location: 18q22.3.
Variant type: single nucleotide variant.
Coding change: c.3724G>A on transcript NM_017757.3 (MANE Select); coding-DNA position 3724, G replaced by A.
Protein change: p.Gly1242Ser; replaces glycine 1242 with serine.
Molecular consequence: missense variant.
Genome position (GRCh38, 1-based): chr18:74,634,743, G>A. VCF-style: chr18-74634743-G-A. GRCh37 (hg19) VCF-style: chr18-72346699-G-A.
Other names: c.3724G>A, p.Gly1242Ser (NM_001146189.1, NM_001146190.1, NM_001384475.1); short protein forms G1242S.
Identifiers: ClinVar variation 3252843 (VCV003252843.1), dbSNP rs766864731.
Genomic context (GRCh38, chr18:74,634,743, plus strand): 5'-GATGCAGGTGAGCTGCGTGTCCATTGTGAGGGTGAAGGAGGAAACGCAGGAGACGGTGGA[G>A]GTGTTGTCCCCCACAGACACCTGTGCCCTGTGACGCTCGATGGGGAGCGCTCGGCTGAAA-3'
Protein context (NP_060227.2, residues 1232-1252): GEGGNAGDGG[Gly1242Ser]VVPHRHLCPV